The following is an entry in ClinVar:

ClinVar aggregate classification (germline): Conflicting classifications of pathogenicity. Review status: criteria provided, conflicting classifications (1 of 4 stars). 4 submissions from 4 submitters: Uncertain significance (1); Benign (2); Likely benign (1). Last evaluated 2026-02-03.

Conditions:
Deficiency of phosphoserine phosphatase (PSPHD). Also called: PSPH deficiency; Phosphoserine phosphatase deficiency. Identifiers: Orphanet 79350, MedGen C1291463, MONDO:0013531, OMIM 614023.

Allele frequency attached by ClinVar (database versions not stated): gnomAD exomes 0.00066 and 0.00188; ExAC 0.00236; gnomAD 0.00723 and 0.00788; 1000 Genomes Project 30x 0.00734; 1000 Genomes Project 0.00759; TOPMed 0.00833; ESP Exome Variant Server 0.00877.
gnomAD v4.1: 2,122 of 1,613,360 alleles (0.13%); highest among the groups gnomAD compares: African/African-American, 2.4%; 20 homozygotes.

Submissions (4):

Labcorp Genetics (formerly Invitae), Labcorp
Classification: Benign for Deficiency of phosphoserine phosphatase. Last evaluated: 2026-02-03. Review status: criteria provided, single submitter. Criteria: Invitae Variant Classification Sherloc (09022015). Collection method: clinical testing. Allele origin: germline.

Mendelics
Classification: Likely benign for Deficiency of phosphoserine phosphatase. Last evaluated: 2019-05-28. Review status: criteria provided, single submitter. Criteria: Mendelics Assertion Criteria 2017. Collection method: clinical testing. Allele origin: unknown.

Illumina Laboratory Services, Illumina
Classification: Benign for Deficiency of phosphoserine phosphatase. Last evaluated: 2018-01-13. Review status: criteria provided, single submitter. Criteria: ICSL Variant Classification Criteria 13 December 2019. Collection method: clinical testing. Allele origin: germline.
Comment: This variant was observed in the ICSL laboratory as part of a predisposition screen in an ostensibly healthy population. It had not been previously curated by ICSL or reported in the Human Gene Mutation Database (HGMD: prior to June 1st, 2018), and was therefore a candidate for classification through an automated scoring system. Utilizing variant allele frequency, disease prevalence and penetrance estimates, and inheritance mode, an automated score was calculated to assess if this variant is too frequent to cause the disease. Based on the score and internal cut-off values, a variant classified as benign is not then subjected to further curation. The score for this variant resulted in a classification of benign for this disease.

GeneDx
Classification: Uncertain significance. Last evaluated: 2017-01-09. Review status: criteria provided, single submitter. Criteria: GeneDx Variant Classification (06012015). Collection method: clinical testing. Allele origin: germline. Affected: yes.
Comment: The V217A variant in the PSPH gene has not been reported previously as a pathogenic variant, nor as a benign variant, to our knowledge. Although not present in the homozygous state, the NHLBI ESP Exome Sequencing Project reports V217A was observed in 113/4,406 alleles (2.6%) from individuals of African American background. The V217A variant is a conservative amino acid substitution, which is not likely to impact secondary protein structure as these residues share similar properties. This substitution occurs at a position that is not conserved, and in silico analysis predicts this variant likely does not alter the protein structure/function. We interpret V217A as a variant of uncertain significance.

NM_004577.4(PSPH):c.650T>C (p.Val217Ala)

Gene: PSPH (phosphoserine phosphatase; minus strand). Cytogenetic location: 7p11.2.
Variant type: single nucleotide variant.
Coding change: c.650T>C on transcript NM_004577.4 (MANE Select); coding-DNA position 650, T replaced by C.
Protein change: p.Val217Ala; replaces valine 217 with alanine.
Molecular consequence: missense variant.
Genome position (GRCh38, 1-based): chr7:56,011,790, A>G on the plus strand (T>C on the coding strand, the complement: PSPH is on the minus strand). VCF-style: chr7-56011790-A-G. GRCh37 (hg19) VCF-style: chr7-56079483-A-G.
Other names: c.650T>C, p.Val217Ala (NM_001370503.1, NM_001370504.1, NM_001370505.1 and 17 more transcripts); short protein forms V217A.
Identifiers: ClinVar variation 391900 (VCV000391900.18), dbSNP rs73343752, ClinGen allele CA4268584.